The following is an entry in ClinVar:

ClinVar aggregate classification (germline): Likely benign (1 of 4 stars; one submission).

Allele frequency attached by ClinVar (database versions not stated): 1000 Genomes Project 30x 0.00328; 1000 Genomes Project 0.00379; gnomAD 0.00579; TOPMed 0.00583; ESP Exome Variant Server 0.00604; ExAC 0.00614; gnomAD exomes 0.00797.
gnomAD v4.1: 12,456 of 1,614,188 alleles (0.77%); highest among the groups gnomAD compares: Middle Eastern, 1.2%; 83 homozygotes.

Submission:

CeGaT Center for Human Genetics Tuebingen
Classification: Likely benign. Last evaluated: 2023-01-01. Review status: criteria provided, single submitter. Criteria: CeGaT Center For Human Genetics Tuebingen Variant Classification Criteria Version 2. Collection method: clinical testing. Allele origin: germline. Affected: yes. Observed: 1 variant allele.
Comment: ZNF721: BP4, BS2

NM_133474.4(ZNF721):c.347A>G (p.Lys116Arg)

Gene: ZNF721 (zinc finger protein 721; minus strand). Cytogenetic location: 4p16.3.
Variant type: single nucleotide variant.
Coding change: c.347A>G on transcript NM_133474.4 (MANE Select); coding-DNA position 347, A replaced by G.
Protein change: p.Lys116Arg; replaces lysine 116 with arginine.
Molecular consequence: missense variant.
Genome position (GRCh38, 1-based): chr4:444,120, T>C on the plus strand (A>G on the coding strand, the complement: ZNF721 is on the minus strand). VCF-style: chr4-444120-T-C. GRCh37 (hg19) VCF-style: chr4-437909-T-C.
Other names: short protein forms K116R.
Identifiers: ClinVar variation 2654527 (VCV002654527.24), dbSNP rs115278773, ClinGen allele CA2792698.